The following is an entry in ClinVar:

NM_001312909.2(FAM111A):c.1054C>T (p.Arg352Cys)

Gene: FAM111A (FAM111 trypsin like peptidase A; plus strand). Cytogenetic location: 11q12.1.
Variant type: single nucleotide variant.
Coding change: c.1054C>T on transcript NM_001312909.2 (MANE Select); coding-DNA position 1054, C replaced by T.
Protein change: p.Arg352Cys; replaces arginine 352 with cysteine.
Molecular consequence: missense variant.
Genome position (GRCh38, 1-based): chr11:59,152,722, C>T. VCF-style: chr11-59152722-C-T. GRCh37 (hg19) VCF-style: chr11-58920195-C-T.
Other names: c.1054C>T (NM_001142520.1); c.1054C>T, p.Arg352Cys (NM_001374860.1, NM_001374861.1, NM_001374862.1 and 29 more transcripts); short protein forms R352C.
Identifiers: ClinVar variation 2971088 (VCV002971088.4), dbSNP rs769119762, ClinGen allele CA6016696.

ClinVar aggregate classification (germline): Uncertain significance. Review status: criteria provided, multiple submitters, no conflicts (2 of 4 stars). 2 submissions from 2 submitters: Uncertain significance (2). Last evaluated 2025-04-10.

Conditions:
Inborn genetic diseases. Identifiers: MedGen C0950123, MeSH D030342.

Allele frequency attached by ClinVar (database versions not stated): gnomAD 0.00001; TOPMed 0.00002.

Submissions (2):

Ambry Genetics
Classification: Uncertain significance for Inborn genetic diseases. Last evaluated: 2025-04-10. Review status: criteria provided, single submitter. Criteria: Ambry Variant Classification Scheme 2023. Collection method: clinical testing. Allele origin: germline.

Labcorp Genetics (formerly Invitae), Labcorp
Classification: Uncertain significance. Last evaluated: 2024-10-19. Review status: criteria provided, single submitter. Criteria: Invitae Variant Classification Sherloc (09022015). Collection method: clinical testing. Allele origin: germline.
Comment: This sequence change replaces arginine, which is basic and polar, with cysteine, which is neutral and slightly polar, at codon 352 of the FAM111A protein (p.Arg352Cys). This variant is present in population databases (rs769119762, gnomAD 0.02%). This variant has not been reported in the literature in individuals affected with FAM111A-related conditions. Invitae Evidence Modeling of protein sequence and biophysical properties (such as structural, functional, and spatial information, amino acid conservation, physicochemical variation, residue mobility, and thermodynamic stability) indicates that this missense variant is not expected to disrupt FAM111A protein function with a negative predictive value of 80%. In summary, the available evidence is currently insufficient to determine the role of this variant in disease. Therefore, it has been classified as a Variant of Uncertain Significance.